The following is an entry in ClinVar:

NM_000098.3(CPT2):c.20dup (p.Arg8fs)

Genes: CPT2 (carnitine palmitoyltransferase 2; plus strand), LOC129930561 (ATAC-STARR-seq lymphoblastoid silent region 902; plus strand). Cytogenetic location: 1p32.3.
Variant type: Duplication.
Coding change: c.20dup on transcript NM_000098.3 (MANE Select); coding-DNA position 20, one base duplicated (T; older notation c.20dupT).
Protein change: p.Arg8fs; shifts the reading frame from arginine 8.
Molecular consequence: frameshift variant.
Genome position (GRCh38, 1-based): chr1:53,196,963, T duplicated. VCF-style (leftmost placement, unchanged base first): chr1-53196962-C-CT. GRCh37 (hg19) VCF-style: chr1-53662634-C-CT.
Other names: c.20dup, p.Arg8fs (NM_001330589.2); short protein forms R8fs.
Identifiers: ClinVar variation 2795157 (VCV002795157.3), dbSNP rs1645324873, ClinGen allele CA1001798336.

ClinVar aggregate classification (germline): Pathogenic (1 of 4 stars; one submission).

Conditions:
Carnitine palmitoyltransferase II deficiency. Also called: Carnitine Palmitoyltransferase 2 Deficiency. Identifiers: Orphanet 157, MedGen C0342790, MONDO:0015515.

Allele frequency attached by ClinVar (database versions not stated): gnomAD exomes below 0.00001; TOPMed below 0.00001; gnomAD 0.00001.

Submission:

Labcorp Genetics (formerly Invitae), Labcorp
Classification: Pathogenic for Carnitine palmitoyltransferase II deficiency. Last evaluated: 2023-03-26. Review status: criteria provided, single submitter. Criteria: Invitae Variant Classification Sherloc (09022015). Collection method: clinical testing. Allele origin: germline.
Comment: This variant is not present in population databases (gnomAD no frequency). This sequence change creates a premature translational stop signal (p.Arg8Alafs*51) in the CPT2 gene. It is expected to result in an absent or disrupted protein product. Loss-of-function variants in CPT2 are known to be pathogenic (PMID: 16781677, 16996287). This variant has not been reported in the literature in individuals affected with CPT2-related conditions. For these reasons, this variant has been classified as Pathogenic.

Literature cited by the submitters: PubMed 16781677; PubMed 16996287.